The following is an entry in ClinVar:

NM_000285.4(PEPD):c.841T>A (p.Tyr281Asn)

Gene: PEPD (peptidase D; minus strand). Cytogenetic location: 19q13.11.
Variant type: single nucleotide variant.
Coding change: c.841T>A on transcript NM_000285.4 (MANE Select); coding-DNA position 841, T replaced by A.
Protein change: p.Tyr281Asn; replaces tyrosine 281 with asparagine.
Molecular consequence: missense variant.
Genome position (GRCh38, 1-based): chr19:33,401,847, A>T on the plus strand (T>A on the coding strand, the complement: PEPD is on the minus strand). VCF-style: chr19-33401847-A-T. GRCh37 (hg19) VCF-style: chr19-33892753-A-T.
Other names: p.Tyr281Asn; c.718T>A, p.Tyr240Asn (NM_001166056.2); c.649T>A, p.Tyr217Asn (NM_001166057.2); c.841T>A (NM_000285.3); short protein forms Y281N, Y217N, Y240N.
Identifiers: ClinVar variation 1366638 (VCV001366638.7), dbSNP rs367902648, ClinGen allele CA9364099.
Genomic context (GRCh38, chr19:33,401,847, plus strand): 5'-CTGCAGTGAACTTGCCGTTGGCGGGAAAGGAGCAGGTGATGTCGGAAGCGAAGCAGTAAT[A>T]CTCACCGCCCATGTCGAACAGGCTGCGGAGAGAGGAAGGCAGGGCAAGTGGGTACTGGGG-3'
Protein context (NP_000276.2, residues 271-291): DMCLFDMGGE[Tyr281Asn]YCFASDITCS

ClinVar aggregate classification (germline): Uncertain significance. Review status: criteria provided, multiple submitters, no conflicts (2 of 4 stars). 4 submissions from 4 submitters: Uncertain significance (4). Last evaluated 2025-08-26.

Conditions:
Prolidase deficiency. Identifiers: Orphanet 742, MedGen C0268532, MONDO:0008221, OMIM 170100.
Inborn genetic diseases. Identifiers: MedGen C0950123, MeSH D030342.

Allele frequency attached by ClinVar (database versions not stated): gnomAD 0.00011; TOPMed 0.00012; gnomAD exomes 0.00017; ExAC 0.00021; ESP Exome Variant Server 0.00032.
gnomAD v4.1: 395 of 1,612,874 alleles (0.024%); highest among the groups gnomAD compares: Non-Finnish European, 0.032%; no homozygotes.

Submissions (4):

Ambry Genetics
Classification: Uncertain significance for Inborn genetic diseases. Last evaluated: 2025-08-26. Review status: criteria provided, single submitter. Criteria: Ambry Variant Classification Scheme 2023. Collection method: clinical testing. Allele origin: germline.

Laboratorio de Genetica e Diagnostico Molecular, Hospital Israelita Albert Einstein
Classification: Uncertain significance for Prolidase deficiency. Last evaluated: 2024-06-25. Review status: criteria provided, single submitter. Criteria: ACMG Guidelines, 2015. Collection method: clinical testing. Allele origin: germline. Affected: yes.
Comment: ACMG classification criteria: PP3 supporting

Mayo Clinic Laboratories, Mayo Clinic
Classification: Uncertain significance. Last evaluated: 2023-10-09. Review status: criteria provided, single submitter. Criteria: ACMG Guidelines, 2015. Collection method: clinical testing. Allele origin: germline. Observed: 1 variant allele.
Comment: PP3

Labcorp Genetics (formerly Invitae), Labcorp
Classification: Uncertain significance. Last evaluated: 2022-05-28. Review status: criteria provided, single submitter. Criteria: Invitae Variant Classification Sherloc (09022015). Collection method: clinical testing. Allele origin: germline.
Comment: This sequence change replaces tyrosine, which is neutral and polar, with asparagine, which is neutral and polar, at codon 281 of the PEPD protein (p.Tyr281Asn). This variant is present in population databases (rs367902648, gnomAD 0.03%). This variant has not been reported in the literature in individuals affected with PEPD-related conditions. ClinVar contains an entry for this variant (Variation ID: 1366638). Algorithms developed to predict the effect of missense changes on protein structure and function (SIFT, PolyPhen-2, Align-GVGD) all suggest that this variant is likely to be disruptive. In summary, the available evidence is currently insufficient to determine the role of this variant in disease. Therefore, it has been classified as a Variant of Uncertain Significance.

Literature cited by the submitters: PubMed 29930383 (cited by Mayo Clinic Laboratories, Mayo Clinic).